The following is an entry in ClinVar:

NM_139027.6(ADAMTS13):c.1691C>A (p.Ala564Asp)

Gene: ADAMTS13 (ADAM metallopeptidase with thrombospondin type 1 motif 13; plus strand). Cytogenetic location: 9q34.2.
Variant type: single nucleotide variant.
Coding change: c.1691C>A on transcript NM_139027.6 (MANE Select); coding-DNA position 1691, C replaced by A.
Protein change: p.Ala564Asp; replaces alanine 564 with aspartic acid.
Molecular consequence: missense variant.
Genome position (GRCh38, 1-based): chr9:133,438,352, C>A. VCF-style: chr9-133438352-C-A. GRCh37 (hg19) VCF-style: chr9-136303472-C-A.
Other names: p.Ala564Asp; c.1691C>A, p.Ala564Asp (NM_139025.5); c.1598C>A, p.Ala533Asp (NM_139026.6); short protein forms A564D, A533D.
Identifiers: ClinVar variation 2141887 (VCV002141887.8), dbSNP rs140628579, ClinGen allele CA200930791.
Genomic context (GRCh38, chr9:133,438,352, plus strand): 5'-GGTGCCAGGTGTGTGGTGGGGACAACAGCACGTGCAGCCCACGGAAGGGCTCTTTCACAG[C>A]TGGCAGAGCGAGAGGTAGGCGGCCTCCCTCGGGGCAGAGGCTGGGCTTCCCCCAGCCTCC-3'
Protein context (NP_620596.2, residues 554-574): TCSPRKGSFT[Ala564Asp]GRAREYVTFL

ClinVar aggregate classification (germline): Conflicting classifications of pathogenicity. Review status: criteria provided, conflicting classifications (1 of 4 stars). 3 submissions from 3 submitters: Uncertain significance (1); Benign (1); Likely benign (1). Last evaluated 2025-09-29.

Conditions:
Upshaw-Schulman syndrome (TTP). Also called: Congenital thrombotic thrombocytopenic purpura; THROMBOTIC THROMBOCYTOPENIC PURPURA, HEREDITARY. Identifiers: Orphanet 93583, MedGen C1268935, MONDO:0010122, OMIM 274150.

Allele frequency attached by ClinVar (database versions not stated): ExAC 0.00016; 1000 Genomes Project 0.00040; ESP Exome Variant Server 0.00062; 1000 Genomes Project 30x 0.00078.
gnomAD v4.1: 185 of 1,614,016 alleles (0.011%); highest among the groups gnomAD compares: African/African-American, 0.22%; 1 homozygote.

Submissions (3):

Mayo Clinic Laboratories, Mayo Clinic
Classification: Likely benign. Last evaluated: 2025-09-29. Review status: criteria provided, single submitter. Criteria: ACMG Guidelines, 2015. Collection method: clinical testing. Allele origin: germline. Observed: 3 variant alleles.
Comment: BS1, BP4_moderate

Labcorp Genetics (formerly Invitae), Labcorp
Classification: Benign. Last evaluated: 2025-09-24. Review status: criteria provided, single submitter. Criteria: Invitae Variant Classification Sherloc (09022015). Collection method: clinical testing. Allele origin: germline.

Revvity Omics, Revvity
Classification: Uncertain significance for Upshaw-Schulman syndrome. Last evaluated: 2019-07-18. Review status: criteria provided, single submitter. Criteria: ACMG Guidelines, 2015. Collection method: clinical testing. Allele origin: germline.